The following is an entry in ClinVar:

ClinVar aggregate classification (germline): Uncertain significance (1 of 4 stars; one submission).

Conditions:
Catecholaminergic polymorphic ventricular tachycardia 1. Also called: VENTRICULAR TACHYCARDIA, CATECHOLAMINERGIC POLYMORPHIC, 1, WITH OR WITHOUT ATRIAL DYSFUNCTION AND/OR DILATED CARDIOMYOPATHY; VENTRICULAR TACHYCARDIA, STRESS-INDUCED POLYMORPHIC 1; RYR2-Related Catecholaminergic Polymorphic Ventricular Tachycardia. Identifiers: Orphanet 3286, MedGen C1631597, MONDO:0011484, OMIM 604772.

Submission:

Labcorp Genetics (formerly Invitae), Labcorp
Classification: Uncertain significance for Catecholaminergic polymorphic ventricular tachycardia 1. Last evaluated: 2025-01-14. Review status: criteria provided, single submitter. Criteria: Invitae Variant Classification Sherloc (09022015). Collection method: clinical testing. Allele origin: germline.
Comment: This sequence change replaces valine, which is neutral and non-polar, with alanine, which is neutral and non-polar, at codon 4776 of the RYR2 protein (p.Val4776Ala). This variant is not present in population databases (gnomAD no frequency). This variant has not been reported in the literature in individuals affected with RYR2-related conditions. Invitae Evidence Modeling of protein sequence and biophysical properties (such as structural, functional, and spatial information, amino acid conservation, physicochemical variation, residue mobility, and thermodynamic stability) indicates that this missense variant is expected to disrupt RYR2 protein function with a positive predictive value of 95%. In summary, the available evidence is currently insufficient to determine the role of this variant in disease. Therefore, it has been classified as a Variant of Uncertain Significance.

NM_001035.3(RYR2):c.14327T>C (p.Val4776Ala)

Gene: RYR2 (ryanodine receptor 2; plus strand). Cytogenetic location: 1q43.
Variant type: single nucleotide variant.
Coding change: c.14327T>C on transcript NM_001035.3 (MANE Select); coding-DNA position 14327, T replaced by C.
Protein change: p.Val4776Ala; replaces valine 4776 with alanine.
Molecular consequence: missense variant.
Genome position (GRCh38, 1-based): chr1:237,808,929, T>C. VCF-style: chr1-237808929-T-C. GRCh37 (hg19) VCF-style: chr1-237972229-T-C.
Other names: short protein forms V4776A.
Identifiers: ClinVar variation 3670248 (VCV003670248.2).
Genomic context (GRCh38, chr1:237,808,929, plus strand): 5'-TAATACCTGGTCCTTGTCACATTGTTTTCCAGCTCGTATTAACCGTTGGCTTATTAGCTG[T>C]TGTTGTATACCTATACACTGTGGTGGCATTCAATTTTTTCCGAAAATTCTACAATAAAAG-3'
Protein context (NP_001026.2, residues 4766-4786): QLVLTVGLLA[Val4776Ala]VVYLYTVVAF